The following is an entry in ClinVar:

NM_020066.5(FMN2):c.2229G>A (p.Ser743=)

Gene: FMN2 (formin 2; plus strand). Cytogenetic location: 1q43.
Variant type: single nucleotide variant.
Coding change: c.2229G>A on transcript NM_020066.5 (MANE Select); coding-DNA position 2229, G replaced by A.
Protein change: p.Ser743=; no amino-acid change (serine 743 retained).
Molecular consequence: synonymous variant. On other transcripts: intron variant (1).
Genome position (GRCh38, 1-based): chr1:240,207,041, G>A. VCF-style: chr1-240207041-G-A. GRCh37 (hg19) VCF-style: chr1-240370341-G-A.
Other names: c.2241G>A, p.Ser747= (NM_001305424.2); c.1986+18779G>A (NM_001348094.2).
Identifiers: ClinVar variation 3032447 (VCV003032447.6), dbSNP rs368104157, ClinGen allele CA1476576.

ClinVar aggregate classification (germline): Likely benign. Review status: criteria provided, single submitter (1 of 4 stars). 2 submissions from 2 submitters: Likely benign (1). 1 of the submissions does not count toward it. Last evaluated 2026-02-01.

Conditions:
FMN2-related disorder. Also called: FMN2-related condition.

Allele frequency attached by ClinVar (database versions not stated): gnomAD 0.00005; TOPMed 0.00005; ESP Exome Variant Server 0.00008; 1000 Genomes Project 30x 0.00016.
gnomAD v4.1: 56 of 1,614,152 alleles (0.0035%); highest among the groups gnomAD compares: South Asian, 0.041%; no homozygotes.

Submissions (2):

CeGaT Center for Human Genetics Tuebingen
Classification: Likely benign. Last evaluated: 2026-02-01. Review status: criteria provided, single submitter. Criteria: CeGaT Center For Human Genetics Tuebingen Variant Classification Criteria Version 2. Collection method: clinical testing. Allele origin: germline. Affected: yes. Observed: 1 variant allele.
Comment: FMN2: BP4, BP7

PreventionGenetics, part of Exact Sciences
Classification: Likely benign for FMN2-related condition. Last evaluated: 2020-10-20. Review status: no assertion criteria provided. Collection method: clinical testing. Allele origin: germline. Not counted in ClinVar's aggregate classification.
Comment: This variant is classified as likely benign based on ACMG/AMP sequence variant interpretation guidelines (Richards et al. 2015 PMID: 25741868, with internal and published modifications).